The following is an entry in ClinVar:

ClinVar aggregate classification (germline): Benign/Likely benign. Review status: criteria provided, multiple submitters, no conflicts (2 of 4 stars). 6 submissions from 6 submitters: Benign (3); Likely benign (3). Last evaluated 2026-07-01.

Conditions:
Cardiovascular phenotype. Identifiers: MedGen CN230736.

Allele frequency attached by ClinVar (database versions not stated): ExAC 0.00158; ESP Exome Variant Server 0.00491; TOPMed 0.00550; 1000 Genomes Project 0.00559; 1000 Genomes Project 30x 0.00687.
gnomAD v4.1: 1,277 of 1,595,178 alleles (0.08%); highest among the groups gnomAD compares: African/African-American, 1.4%; 13 homozygotes.

Submissions (6):

CeGaT Center for Human Genetics Tuebingen
Classification: Benign. Last evaluated: 2026-07-01. Review status: criteria provided, single submitter. Criteria: CeGaT Center For Human Genetics Tuebingen Variant Classification Criteria Version 2. Collection method: clinical testing. Allele origin: germline. Affected: yes. Observed: 1 variant allele.
Comment: TNXB: BP4, BS1, BS2

Women's Health and Genetics/Laboratory Corporation of America, LabCorp
Classification: Likely benign. Last evaluated: 2026-03-31. Review status: criteria provided, single submitter. Criteria: LabCorp Variant Classification Summary - May 2015. Collection method: clinical testing. Allele origin: germline.

Labcorp Genetics (formerly Invitae), Labcorp
Classification: Benign. Last evaluated: 2026-01-25. Review status: criteria provided, single submitter. Criteria: Invitae Variant Classification Sherloc (09022015). Collection method: clinical testing. Allele origin: germline.

Mayo Clinic Laboratories, Mayo Clinic
Classification: Benign. Last evaluated: 2025-06-03. Review status: criteria provided, single submitter. Criteria: ACMG Guidelines, 2015. Collection method: clinical testing. Allele origin: germline. Observed: 2 variant alleles.
Comment: BS1, BS2, BP4, BP7

GeneDx
Classification: Likely benign. Last evaluated: 2021-04-07. Review status: criteria provided, single submitter. Criteria: GeneDx Variant Classification Process June 2021. Collection method: clinical testing. Allele origin: germline. Affected: yes.

Ambry Genetics
Classification: Likely benign for Cardiovascular phenotype. Last evaluated: 2019-07-05. Review status: criteria provided, single submitter. Criteria: Ambry Variant Classification Scheme 2023. Collection method: clinical testing. Allele origin: germline.

NM_001365276.2(TNXB):c.5548G>A (p.Gly1850Ser)

Gene: TNXB (tenascin XB; minus strand). Cytogenetic location: 6p21.33.
Variant type: single nucleotide variant.
Coding change: c.5548G>A on transcript NM_001365276.2 (MANE Select); coding-DNA position 5548, G replaced by A.
Protein change: p.Gly1850Ser; replaces glycine 1850 with serine.
Molecular consequence: missense variant.
Genome position (GRCh38, 1-based): chr6:32,069,592, C>T on the plus strand (G>A on the coding strand, the complement: TNXB is on the minus strand). VCF-style: chr6-32069592-C-T. GRCh37 (hg19) VCF-style: chr6-32037369-C-T.
Other names: p.Gly1850Ser; c.5548G>A, p.Gly1850Ser (NM_019105.8); short protein forms G1850S.
Identifiers: ClinVar variation 1215978 (VCV001215978.9), dbSNP rs201606500, ClinGen allele CA3734681.